The following is an entry in ClinVar:

ClinVar aggregate classification (germline): Uncertain significance (1 of 4 stars; one submission).

Submission:

Labcorp Genetics (formerly Invitae), Labcorp
Classification: Uncertain significance. Last evaluated: 2024-06-30. Review status: criteria provided, single submitter. Criteria: Invitae Variant Classification Sherloc (09022015). Collection method: clinical testing. Allele origin: germline.
Comment: This sequence change replaces methionine, which is neutral and non-polar, with valine, which is neutral and non-polar, at codon 1223 of the ROBO1 protein (p.Met1223Val). This variant is present in population databases (rs567045812, gnomAD 0.01%). This variant has not been reported in the literature in individuals affected with ROBO1-related conditions. Advanced modeling of protein sequence and biophysical properties (such as structural, functional, and spatial information, amino acid conservation, physicochemical variation, residue mobility, and thermodynamic stability) performed at Invitae indicates that this missense variant is not expected to disrupt ROBO1 protein function with a negative predictive value of 95%. In summary, the available evidence is currently insufficient to determine the role of this variant in disease. Therefore, it has been classified as a Variant of Uncertain Significance.

NM_002941.4(ROBO1):c.3667A>G (p.Met1223Val)

Gene: ROBO1 (roundabout guidance receptor 1; minus strand). Cytogenetic location: 3p12.3.
Variant type: single nucleotide variant.
Coding change: c.3667A>G on transcript NM_002941.4 (MANE Select); coding-DNA position 3667, A replaced by G.
Protein change: p.Met1223Val; replaces methionine 1223 with valine.
Molecular consequence: missense variant.
Genome position (GRCh38, 1-based): chr3:78,627,529, T>C on the plus strand (A>G on the coding strand, the complement: ROBO1 is on the minus strand). VCF-style: chr3-78627529-T-C. GRCh37 (hg19) VCF-style: chr3-78676679-T-C.
Other names: c.3367A>G, p.Met1123Val (NM_001145845.2); c.3532A>G, p.Met1178Val (NM_133631.4); short protein forms M1123V, M1178V, M1223V.
Identifiers: ClinVar variation 3668583 (VCV003668583.2).